The following is an entry in ClinVar:

NM_001130438.3(SPTAN1):c.1589C>G (p.Ala530Gly)

Gene: SPTAN1 (spectrin alpha, non-erythrocytic 1; plus strand). Cytogenetic location: 9q34.11.
Variant type: single nucleotide variant.
Coding change: c.1589C>G on transcript NM_001130438.3 (MANE Select); coding-DNA position 1589, C replaced by G.
Protein change: p.Ala530Gly; replaces alanine 530 with glycine.
Molecular consequence: missense variant.
Genome position (GRCh38, 1-based): chr9:128,582,495, C>G. VCF-style: chr9-128582495-C-G. GRCh37 (hg19) VCF-style: chr9-131344774-C-G.
Other names: c.1589C>G, p.Ala530Gly (NM_001195532.2, NM_001363759.2, NM_001363765.2 and 5 more transcripts); c.1625C>G, p.Ala542Gly (NM_001375312.2, NM_001375318.1); short protein forms A542G, A530G.
Identifiers: ClinVar variation 2996514 (VCV002996514.3), dbSNP rs1852066968, ClinGen allele CA375054749.

ClinVar aggregate classification (germline): Uncertain significance (1 of 4 stars; one submission).

Conditions:
Early-infantile DEE. Also called: Early infantile epileptic encephalopathy with suppression bursts; Ohtahara syndrome; Early infantile epileptic encephalopathy. Identifiers: Orphanet 1934, MedGen C0393706, MONDO:0800491.

Allele frequency attached by ClinVar (database versions not stated): gnomAD 0.00001; TOPMed 0.00001.
gnomAD v4.1: 1 of 1,614,054 alleles (0.000062%); highest among the groups gnomAD compares: African/African-American, 0.0013%; no homozygotes.

Submission:

Labcorp Genetics (formerly Invitae), Labcorp
Classification: Uncertain significance for Early-infantile DEE. Last evaluated: 2023-05-23. Review status: criteria provided, single submitter. Criteria: Invitae Variant Classification Sherloc (09022015). Collection method: clinical testing. Allele origin: germline.
Comment: Advanced modeling of protein sequence and biophysical properties (such as structural, functional, and spatial information, amino acid conservation, physicochemical variation, residue mobility, and thermodynamic stability) has been performed at Invitae for this missense variant, however the output from this modeling did not meet the statistical confidence thresholds required to predict the impact of this variant on SPTAN1 protein function. This variant has not been reported in the literature in individuals affected with SPTAN1-related conditions. This variant is not present in population databases (gnomAD no frequency). This sequence change replaces alanine, which is neutral and non-polar, with glycine, which is neutral and non-polar, at codon 530 of the SPTAN1 protein (p.Ala530Gly). In summary, the available evidence is currently insufficient to determine the role of this variant in disease. Therefore, it has been classified as a Variant of Uncertain Significance.